The following is an entry in ClinVar:

NM_018960.6(GNMT):c.301A>G (p.Asn101Asp)

Genes: CNPY3-GNMT (CNPY3-GNMT readthrough; plus strand), GNMT (glycine N-methyltransferase; plus strand). Cytogenetic location: 6p21.1.
Variant type: single nucleotide variant.
Coding change: c.301A>G on transcript NM_018960.6 (MANE Select); coding-DNA position 301, A replaced by G.
Protein change: p.Asn101Asp; replaces asparagine 101 with aspartic acid.
Molecular consequence: missense variant. On other transcripts: non-coding transcript variant (2), intron variant (2).
Genome position (GRCh38, 1-based): chr6:42,962,306, A>G. VCF-style: chr6-42962306-A-G. GRCh37 (hg19) VCF-style: chr6-42930044-A-G.
Other names: c.103A>G, p.Asn35Asp (NM_001318856.2); c.301A>G, p.Asn101Asp (NM_001318865.2); c.152-456A>G (NM_001318857.2, NM_001318858.2); c.301A>G (NM_018960.4); short protein forms N101D, N35D.
Identifiers: ClinVar variation 2199482 (VCV002199482.5), dbSNP rs746552607, ClinGen allele CA3810626.
Genomic context (GRCh38, chr6:42,962,306, plus strand): 5'-AGTGTGACGAGTGTGGATGCCAGTGACAAGATGCTGAAGTATGCACTTAAGGAGCGCTGG[A>G]ACCGGCGGCACGAGCCCGCCTTCGACAAGTGGGGTATGCAGGTCTAGCCAGGCTCCCCCA-3'
Protein context (NP_061833.1, residues 91-111): MLKYALKERW[Asn101Asp]RRHEPAFDKW

ClinVar aggregate classification (germline): Uncertain significance. Review status: criteria provided, multiple submitters, no conflicts (2 of 4 stars). 2 submissions from 2 submitters: Uncertain significance (2). Last evaluated 2025-08-31.

Allele frequency attached by ClinVar (database versions not stated): TOPMed below 0.00001; gnomAD exomes 0.00005; gnomAD 0.00011; ExAC 0.00013.

Submissions (2):

Ambry Genetics
Classification: Uncertain significance. Last evaluated: 2025-08-31. Review status: criteria provided, single submitter. Criteria: Ambry Variant Classification Scheme 2023. Collection method: clinical testing. Allele origin: germline.

Labcorp Genetics (formerly Invitae), Labcorp
Classification: Uncertain significance. Last evaluated: 2025-01-20. Review status: criteria provided, single submitter. Criteria: Invitae Variant Classification Sherloc (09022015). Collection method: clinical testing. Allele origin: germline.
Comment: This sequence change replaces asparagine with aspartic acid at codon 101 of the GNMT protein (p.Asn101Asp). The asparagine residue is weakly conserved and there is a small physicochemical difference between asparagine and aspartic acid. This variant is present in population databases (rs746552607, gnomAD 0.1%), and has an allele count higher than expected for a pathogenic variant. This variant has not been reported in the literature in individuals affected with GNMT-related conditions. ClinVar contains an entry for this variant (Variation ID: 2199482). Invitae Evidence Modeling of protein sequence and biophysical properties (such as structural, functional, and spatial information, amino acid conservation, physicochemical variation, residue mobility, and thermodynamic stability) indicates that this missense variant is not expected to disrupt GNMT protein function with a negative predictive value of 80%. In summary, the available evidence is currently insufficient to determine the role of this variant in disease. Therefore, it has been classified as a Variant of Uncertain Significance.